The following is an entry in ClinVar:

ClinVar aggregate classification (germline): Uncertain significance (1 of 4 stars; one submission).

Conditions:
Early-infantile DEE. Also called: Early infantile epileptic encephalopathy; Early infantile epileptic encephalopathy with suppression bursts; Ohtahara syndrome. Identifiers: Orphanet 1934, MedGen C0393706, MONDO:0800491.

Submission:

Labcorp Genetics (formerly Invitae), Labcorp
Classification: Uncertain significance for Early-infantile DEE. Last evaluated: 2022-02-25. Review status: criteria provided, single submitter. Criteria: Invitae Variant Classification Sherloc (09022015). Collection method: clinical testing. Allele origin: germline.
Comment: This variant is not present in population databases (gnomAD no frequency). This sequence change replaces aspartic acid, which is acidic and polar, with glutamic acid, which is acidic and polar, at codon 223 of the ST3GAL3 protein (p.Asp223Glu). This variant has not been reported in the literature in individuals affected with ST3GAL3-related conditions. In summary, the available evidence is currently insufficient to determine the role of this variant in disease. Therefore, it has been classified as a Variant of Uncertain Significance. Algorithms developed to predict the effect of missense changes on protein structure and function are either unavailable or do not agree on the potential impact of this missense change (SIFT: "Deleterious"; PolyPhen-2: "Possibly Damaging"; Align-GVGD: "Class C0").

NM_006279.5(ST3GAL3):c.669T>G (p.Asp223Glu)

Gene: ST3GAL3 (ST3 beta-galactoside alpha-2,3-sialyltransferase 3; plus strand). Cytogenetic location: 1p34.1.
Variant type: single nucleotide variant.
Coding change: c.669T>G on transcript NM_006279.5 (MANE Select); coding-DNA position 669, T replaced by G.
Protein change: p.Asp223Glu; replaces aspartic acid 223 with glutamic acid.
Molecular consequence: missense variant. On other transcripts: intron variant (7), non-coding transcript variant (5).
Genome position (GRCh38, 1-based): chr1:43,899,652, T>G. VCF-style: chr1-43899652-T-G. GRCh37 (hg19) VCF-style: chr1-44365324-T-G.
Other names: c.397+5175T>G (NM_174967.4); c.509+389T>G (NM_001270464.3); c.349+5175T>G (NM_174970.4); c.255-30480T>G (NM_001270466.3); c.669T>G, p.Asp223Glu (NM_001270459.2, NM_001350620.2, NM_174966.4); c.576T>G, p.Asp192Glu (NM_001270460.2); c.621T>G, p.Asp207Glu (NM_001270461.3, NM_001410781.1, NM_174969.4); c.528T>G, p.Asp176Glu (NM_001270462.3); and 8 more; short protein forms D261E, D292E, D130E, D192E, D223E, D238E, D176E, D207E.
Identifiers: ClinVar variation 2103673 (VCV002103673.4), dbSNP rs2077955242, ClinGen allele CA340270420.